The following is an entry in ClinVar:

ClinVar aggregate classification (germline): Uncertain significance. Review status: criteria provided, multiple submitters, no conflicts (2 of 4 stars). 2 submissions from 2 submitters: Uncertain significance (2). Last evaluated 2023-04-04.

Allele frequency attached by ClinVar (database versions not stated): gnomAD 0.00002; ExAC 0.00005.

Submissions (2):

Labcorp Genetics (formerly Invitae), Labcorp
Classification: Uncertain significance. Last evaluated: 2023-04-04. Review status: criteria provided, single submitter. Criteria: Invitae Variant Classification Sherloc (09022015). Collection method: clinical testing. Allele origin: germline.
Comment: This sequence change replaces aspartic acid, which is acidic and polar, with asparagine, which is neutral and polar, at codon 41 of the RAI1 protein (p.Asp41Asn). This variant is present in population databases (rs749428152, gnomAD 0.02%). This variant has not been reported in the literature in individuals affected with RAI1-related conditions. Advanced modeling of protein sequence and biophysical properties (such as structural, functional, and spatial information, amino acid conservation, physicochemical variation, residue mobility, and thermodynamic stability) performed at Invitae indicates that this missense variant is not expected to disrupt RAI1 protein function. In summary, the available evidence is currently insufficient to determine the role of this variant in disease. Therefore, it has been classified as a Variant of Uncertain Significance.

Breakthrough Genomics
Classification: Uncertain significance. Review status: criteria provided, single submitter. Criteria: ACMG Guidelines, 2015. Collection method: not provided. Allele origin: germline. Inheritance: Autosomal dominant inheritance. Affected: yes.

NM_030665.4(RAI1):c.121G>A (p.Asp41Asn)

Gene: RAI1 (retinoic acid induced 1; plus strand). Cytogenetic location: 17p11.2.
Variant type: single nucleotide variant.
Coding change: c.121G>A on transcript NM_030665.4 (MANE Select); coding-DNA position 121, G replaced by A.
Protein change: p.Asp41Asn; replaces aspartic acid 41 with asparagine.
Molecular consequence: missense variant.
Genome position (GRCh38, 1-based): chr17:17,793,069, G>A. VCF-style: chr17-17793069-G-A. GRCh37 (hg19) VCF-style: chr17-17696383-G-A.
Other names: short protein forms D41N.
Identifiers: ClinVar variation 2802888 (VCV002802888.4), dbSNP rs749428152, ClinGen allele CA8418048.